The following is an entry in ClinVar:

NM_001243133.2(NLRP3):c.2786T>C (p.Leu929Pro)

Gene: NLRP3 (NLR family pyrin domain containing 3; plus strand). Cytogenetic location: 1q44.
Variant type: single nucleotide variant.
Coding change: c.2786T>C on transcript NM_001243133.2 (MANE Select); coding-DNA position 2786, T replaced by C.
Protein change: p.Leu929Pro; replaces leucine 929 with proline.
Molecular consequence: missense variant.
Genome position (GRCh38, 1-based): chr1:247,444,094, T>C. VCF-style: chr1-247444094-T-C. GRCh37 (hg19) VCF-style: chr1-247607396-T-C.
Other names: c.2786T>C, p.Leu929Pro (NM_001079821.3); c.2615T>C, p.Leu872Pro (NM_001127461.3, NM_001127462.3); c.2792T>C, p.Leu931Pro (NM_004895.5); c.2444T>C, p.Leu815Pro (NM_183395.3); short protein forms L815P, L872P, L929P, L931P.
Identifiers: ClinVar variation 3774173 (VCV003774173.1).

ClinVar aggregate classification (germline): Uncertain significance (1 of 4 stars; one submission).

gnomAD v4.1: 1 of 1,614,218 alleles (0.000062%); highest among the groups gnomAD compares: Non-Finnish European, 0.000085%; no homozygotes.

Submission:

GeneDx
Classification: Uncertain significance. Last evaluated: 2024-09-19. Review status: criteria provided, single submitter. Criteria: GeneDx Variant Classification Process June 2021. Collection method: clinical testing. Allele origin: germline. Affected: yes.
Comment: Not observed at significant frequency in large population cohorts (gnomAD); In silico analysis supports that this missense variant has a deleterious effect on protein structure/function; Has not been previously published as pathogenic or benign to our knowledge; Also known as p.(L929P)